The following is an entry in ClinVar:

NM_001042492.3(NF1):c.5302G>T (p.Glu1768Ter)

Gene: NF1 (neurofibromin 1; plus strand). Cytogenetic location: 17q11.2.
Variant type: single nucleotide variant.
Coding change: c.5302G>T on transcript NM_001042492.3 (MANE Select); coding-DNA position 5302, G replaced by T.
Protein change: p.Glu1768Ter; replaces glutamic acid 1768 with a stop codon.
Molecular consequence: nonsense.
Genome position (GRCh38, 1-based): chr17:31,327,532, G>T. VCF-style: chr17-31327532-G-T. GRCh37 (hg19) VCF-style: chr17-29654550-G-T.
Other names: c.5239G>T, p.Glu1747Ter (NM_000267.4); short protein forms E1747*, E1768*.
Identifiers: ClinVar variation 2767424 (VCV002767424.4), dbSNP rs2151540881, ClinGen allele CA399009029.

ClinVar aggregate classification (germline): Pathogenic. Review status: criteria provided, multiple submitters, no conflicts (2 of 4 stars). 2 submissions from 2 submitters: Pathogenic (2). Last evaluated 2026-03-16.

Conditions:
Hereditary cancer-predisposing syndrome. Also called: Tumor predisposition; Hereditary neoplastic syndrome; Neoplastic Syndromes, Hereditary; Hereditary Cancer Syndrome. Identifiers: Orphanet 140162, MedGen C0027672, MeSH D009386, MONDO:0015356.
Cardiovascular phenotype. Identifiers: MedGen CN230736.
Neurofibromatosis, type 1 (NF1). Also called: Neurofibromatosis, type I; Peripheral type neurofibromatosis; VON RECKLINGHAUSEN DISEASE; NEUROFIBROMATOSIS, TYPE I, SOMATIC. Identifiers: Orphanet 636, MedGen C0027831, MONDO:0018975, OMIM 162200. Disease mechanism: loss of function.

Submissions (2):

Ambry Genetics
Classification: Pathogenic for Cardiovascular phenotype; Hereditary cancer-predisposing syndrome. Last evaluated: 2026-03-16. Review status: criteria provided, single submitter. Criteria: Ambry Variant Classification Scheme 2023. Collection method: clinical testing. Allele origin: germline.
Comment: The p.E1747* pathogenic mutation (also known as c.5239G>T), located in coding exon 37 of the NF1 gene, results from a G to T substitution at nucleotide position 5239. This changes the amino acid from a glutamic acid to a stop codon within coding exon 37. This variant is considered to be rare based on population cohorts in the Genome Aggregation Database (gnomAD). This variant was reported in individual(s) with features consistent with Neurofibromatosis type 1 (Ambry internal data). This alteration is expected to result in loss of function by premature protein truncation or nonsense-mediated mRNA decay. As such, this alteration is interpreted as a disease-causing mutation.

Labcorp Genetics (formerly Invitae), Labcorp
Classification: Pathogenic for Neurofibromatosis, type 1. Last evaluated: 2023-10-13. Review status: criteria provided, single submitter. Criteria: Invitae Variant Classification Sherloc (09022015). Collection method: clinical testing. Allele origin: germline.
Comment: This sequence change creates a premature translational stop signal (p.Glu1747*) in the NF1 gene. It is expected to result in an absent or disrupted protein product. Loss-of-function variants in NF1 are known to be pathogenic (PMID: 10712197, 23913538). This variant is not present in population databases (gnomAD no frequency). This variant has not been reported in the literature in individuals affected with NF1-related conditions. For these reasons, this variant has been classified as Pathogenic.

Literature cited by the submitters: PubMed 10712197 (cited by Labcorp Genetics (formerly Invitae), Labcorp); PubMed 23913538 (cited by Labcorp Genetics (formerly Invitae), Labcorp).